The following is an entry in ClinVar:

ClinVar aggregate classification (germline): Uncertain significance. Review status: criteria provided, multiple submitters, no conflicts (2 of 4 stars). 2 submissions from 2 submitters: Uncertain significance (2). Last evaluated 2025-04-24.

Conditions:
Kufor-Rakeb syndrome (KRS). Also called: PARKINSON DISEASE 9, AUTOSOMAL RECESSIVE, JUVENILE-ONSET. Identifiers: Orphanet 306674, Orphanet 314632, MedGen C1847640, MONDO:0011706, OMIM 606693.
Autosomal recessive spastic paraplegia type 78. Identifiers: Orphanet 513436, MedGen C5567893, MONDO:0014975, OMIM 617225.

gnomAD v4.1: 10 of 1,595,914 alleles (0.00063%); highest among the groups gnomAD compares: East Asian, 0.0023%; no homozygotes.

Submissions (2):

GeneDx
Classification: Uncertain significance. Last evaluated: 2025-04-24. Review status: criteria provided, single submitter. Criteria: GeneDx Variant Classification Process June 2021. Collection method: clinical testing. Allele origin: germline. Affected: yes.
Comment: Not observed at significant frequency in large population cohorts (gnomAD); In silico analysis indicates that this missense variant does not alter protein structure/function; Has not been previously published as pathogenic or benign to our knowledge

Labcorp Genetics (formerly Invitae), Labcorp
Classification: Uncertain significance for Kufor-Rakeb syndrome; Autosomal recessive spastic paraplegia type 78. Last evaluated: 2022-05-27. Review status: criteria provided, single submitter. Criteria: Invitae Variant Classification Sherloc (09022015). Collection method: clinical testing. Allele origin: germline.
Comment: In summary, the available evidence is currently insufficient to determine the role of this variant in disease. Therefore, it has been classified as a Variant of Uncertain Significance. Advanced modeling of protein sequence and biophysical properties (such as structural, functional, and spatial information, amino acid conservation, physicochemical variation, residue mobility, and thermodynamic stability) performed at Invitae indicates that this missense variant is not expected to disrupt ATP13A2 protein function. This variant has not been reported in the literature in individuals affected with ATP13A2-related conditions. The frequency data for this variant in the population databases is considered unreliable, as metrics indicate poor data quality at this position in the gnomAD database. This sequence change replaces valine, which is neutral and non-polar, with methionine, which is neutral and non-polar, at codon 569 of the ATP13A2 protein (p.Val569Met).

NM_022089.4(ATP13A2):c.1705G>A (p.Val569Met)

Gene: ATP13A2 (ATPase cation transporting 13A2; minus strand). Cytogenetic location: 1p36.13.
Variant type: single nucleotide variant.
Coding change: c.1705G>A on transcript NM_022089.4 (MANE Select); coding-DNA position 1705, G replaced by A.
Protein change: p.Val569Met; replaces valine 569 with methionine.
Molecular consequence: missense variant.
Genome position (GRCh38, 1-based): chr1:16,993,673, C>T on the plus strand (G>A on the coding strand, the complement: ATP13A2 is on the minus strand). VCF-style: chr1-16993673-C-T. GRCh37 (hg19) VCF-style: chr1-17320168-C-T.
Other names: c.1690G>A, p.Val564Met (NM_001141973.3, NM_001141974.3); c.1705G>A (NM_022089.2); short protein forms V564M, V569M.
Identifiers: ClinVar variation 1915736 (VCV001915736.5), dbSNP rs778787124, ClinGen allele CA637116.